The following is an entry in ClinVar:

ClinVar aggregate classification (germline): Uncertain significance (1 of 4 stars; one submission).

Allele frequency attached by ClinVar (database versions not stated): gnomAD exomes below 0.00001; TOPMed below 0.00001.

Submission:

Labcorp Genetics (formerly Invitae), Labcorp
Classification: Uncertain significance. Last evaluated: 2025-04-17. Review status: criteria provided, single submitter. Criteria: Invitae Variant Classification Sherloc (09022015). Collection method: clinical testing. Allele origin: germline.
Comment: This sequence change replaces proline, which is neutral and non-polar, with serine, which is neutral and polar, at codon 562 of the CSF2RB protein (p.Pro562Ser). This variant is not present in population databases (gnomAD no frequency). This variant has not been reported in the literature in individuals affected with CSF2RB-related conditions. ClinVar contains an entry for this variant (Variation ID: 2975185). Invitae Evidence Modeling of protein sequence and biophysical properties (such as structural, functional, and spatial information, amino acid conservation, physicochemical variation, residue mobility, and thermodynamic stability) indicates that this missense variant is not expected to disrupt CSF2RB protein function with a negative predictive value of 80%. In summary, the available evidence is currently insufficient to determine the role of this variant in disease. Therefore, it has been classified as a Variant of Uncertain Significance.

NM_000395.3(CSF2RB):c.1684C>T (p.Pro562Ser)

Gene: CSF2RB (colony stimulating factor 2 receptor subunit beta; plus strand). Cytogenetic location: 22q12.3.
Variant type: single nucleotide variant.
Coding change: c.1684C>T on transcript NM_000395.3 (MANE Select); coding-DNA position 1684, C replaced by T.
Protein change: p.Pro562Ser; replaces proline 562 with serine.
Molecular consequence: missense variant.
Genome position (GRCh38, 1-based): chr22:36,937,492, C>T. VCF-style: chr22-36937492-C-T. GRCh37 (hg19) VCF-style: chr22-37333534-C-T.
Other names: c.1702C>T, p.Pro568Ser (NM_001410827.1); short protein forms P568S, P562S.
Identifiers: ClinVar variation 2975185 (VCV002975185.3), dbSNP rs1941293448, ClinGen allele CA411409971.